The following is an entry in ClinVar:

ClinVar aggregate classification (germline): Uncertain significance. Review status: criteria provided, multiple submitters, no conflicts (2 of 4 stars). 2 submissions from 2 submitters: Uncertain significance (2). Last evaluated 2026-05-07.

Conditions:
Inborn genetic diseases. Identifiers: MedGen C0950123, MeSH D030342.

Submissions (2):

Ambry Genetics
Classification: Uncertain significance for Inborn genetic diseases. Last evaluated: 2026-05-07. Review status: criteria provided, single submitter. Criteria: Ambry Variant Classification Scheme 2023. Collection method: clinical testing. Allele origin: germline.
Comment: The p.R297S variant (also known as c.889C>A), located in coding exon 1 of the CEBPA gene, results from a C to A substitution at nucleotide position 889. The arginine at codon 297 is replaced by serine, an amino acid with dissimilar properties. This amino acid position is highly conserved in available vertebrate species. In addition, this alteration is predicted to be deleterious by in silico analysis. Based on the available evidence, the clinical significance of this variant remains unclear.

GeneDx
Classification: Uncertain significance. Last evaluated: 2024-08-17. Review status: criteria provided, single submitter. Criteria: GeneDx Variant Classification Process June 2021. Collection method: clinical testing. Allele origin: germline. Affected: yes.
Comment: Not observed at significant frequency in large population cohorts (gnomAD); In silico analysis supports that this missense variant has a deleterious effect on protein structure/function; Has not been previously published as pathogenic or benign to our knowledge; This variant is associated with the following publications: (PMID: 21455213)

NM_004364.5(CEBPA):c.889C>A (p.Arg297Ser)

Gene: CEBPA (CCAAT enhancer binding protein alpha; minus strand). Cytogenetic location: 19q13.11.
Variant type: single nucleotide variant.
Coding change: c.889C>A on transcript NM_004364.5 (MANE Select); coding-DNA position 889, C replaced by A.
Protein change: p.Arg297Ser; replaces arginine 297 with serine.
Molecular consequence: missense variant.
Genome position (GRCh38, 1-based): chr19:33,301,526, G>T on the plus strand (C>A on the coding strand, the complement: CEBPA is on the minus strand). VCF-style: chr19-33301526-G-T. GRCh37 (hg19) VCF-style: chr19-33792432-G-T.
Other names: c.532C>A, p.Arg178Ser (NM_001285829.2); c.994C>A, p.Arg332Ser (NM_001287424.2); c.847C>A, p.Arg283Ser (NM_001287435.2); short protein forms R178S, R283S, R332S, R297S.
Identifiers: ClinVar variation 3730996 (VCV003730996.2).